The following is an entry in ClinVar:

NM_007294.4(BRCA1):c.5056C>T (p.His1686Tyr)

Gene: BRCA1 (BRCA1 DNA repair associated; minus strand). Cytogenetic location: 17q21.31.
Variant type: single nucleotide variant.
Coding change: c.5056C>T on transcript NM_007294.4 (MANE Select); coding-DNA position 5056, C replaced by T.
Protein change: p.His1686Tyr; replaces histidine 1686 with tyrosine.
Molecular consequence: missense variant. On other transcripts: non-coding transcript variant (1).
Genome position (GRCh38, 1-based): chr17:43,067,626, G>A on the plus strand (C>T on the coding strand, the complement: BRCA1 is on the minus strand). VCF-style: chr17-43067626-G-A. GRCh37 (hg19) VCF-style: chr17-41219643-G-A.
Other names: NM_007294.4(BRCA1):c.5056C>T; p.His1686Tyr; c.4843C>T, p.His1615Tyr (NM_001407571.1, NM_001407894.1, NM_001407895.1 and 12 more transcripts); c.5122C>T, p.His1708Tyr (NM_001407581.1, NM_001407582.1); c.5119C>T, p.His1707Tyr (NM_001407583.1, NM_001407585.1, NM_001407587.1 and 1 more transcripts); c.5116C>T, p.His1706Tyr (NM_001407590.1, NM_001407591.1); c.5056C>T, p.His1686Tyr (NM_001407593.1, NM_001407594.1, NM_001407596.1 and 8 more transcripts); c.5053C>T, p.His1685Tyr (NM_001407618.1, NM_001407619.1, NM_001407620.1 and 17 more transcripts); and 72 more; short protein forms H1686Y, H1639Y, H582Y, H1707Y, H1532Y, H1574Y, H1575Y, H1597Y.
Identifiers: ClinVar variation 531444 (VCV000531444.26), dbSNP rs1555579648, ClinGen allele CA10591407.

ClinVar aggregate classification (germline): Likely pathogenic. Review status: reviewed by expert panel (3 of 4 stars). 10 submissions from 9 submitters: Likely pathogenic (1). 9 of the submissions do not count toward it. Last evaluated 2025-08-18.

Conditions:
Hereditary cancer-predisposing syndrome. Also called: Tumor predisposition; Hereditary Cancer Syndrome; Hereditary neoplastic syndrome; Neoplastic Syndromes, Hereditary. Identifiers: Orphanet 140162, MedGen C0027672, MeSH D009386, MONDO:0015356.
Hereditary breast ovarian cancer syndrome. Also called: Breast and ovarian cancer; Hereditary breast and/or ovarian cancer syndrome; BRCA1- and BRCA2-Associated Hereditary Breast and Ovarian Cancer; Hereditary breast and ovarian cancer syndrome; Hereditary breast and ovarian cancer syndrome (HBOC); Hereditary breast and ovarian cancer. Identifiers: Orphanet 145, MedGen C0677776, MeSH D061325, MONDO:0003582. Disease mechanism: loss of function.
Breast-ovarian cancer, familial, susceptibility to, 1 (BROVCA1). Also called: BRCA1 Hereditary Breast and Ovarian Cancer; OVARIAN CANCER, SUSCEPTIBILITY TO. Identifiers: Orphanet 145, MedGen C2676676, MONDO:0011450, OMIM 604370. Disease mechanism: loss of function.
BRCA1-related cancer predisposition. Identifiers: MedGen CN377757, MONDO:0700268.
Familial cancer of breast. Also called: BREAST CANCER, FAMILIAL; Hereditary breast cancer; hereditary breast carcinoma. Identifiers: Orphanet 227535, MedGen C0346153, MONDO:0016419, OMIM 114480. Disease mechanism: loss of function.
Pancreatic cancer, susceptibility to, 4. Identifiers: Orphanet 1333, MedGen C3280442, MONDO:0013685, OMIM 614320.
Fanconi anemia, complementation group S (FANCS). Identifiers: MedGen C4554406, MONDO:0054748, OMIM 617883.

Submissions 1 to 5 of 11:

ClinGen ENIGMA BRCA1 and BRCA2 Variant Curation Expert Panel, ClinGen
Classification: Likely pathogenic for BRCA1-related cancer predisposition. Last evaluated: 2025-08-18. Review status: reviewed by expert panel. Criteria: CSpec BRCA1/2ACMG Rules Specifications V1.2. Collection method: curation. Allele origin: germline. Inheritance: Autosomal dominant inheritance.
Comment: The variant c.5056C>T in BRCA1 is a missense variant predicted to cause substitution of Histidine by Tyrosine at amino acid 1686 (p.His1686Tyr). This variant is absent from gnomAD v2.1 (exomes only, non-cancer subset, read depth ≥25) and gnomAD v3.1 (non-cancer subset, read depth ≥25) (PM2_Supporting met). This BRCA1 missense variant is within a key functional domain and a SpliceAI score of 0.21 indicates a predicted impact on splicing. The computational predictor BayesDel (noAF) gives a score of 0.36, above the recommended threshold of 0.28 for prediction of impact on BRCA1 function via protein change (PP3 met). Missense variant predicted to alter splicing, functional data considered only from assays that measure effect via mRNA and protein. Reported by one calibrated study incorporating mRNA splicing effects to exhibit function similar to pathogenic control variants (PMID:30209399) (PS3 met). In summary, this variant meets the criteria to be classified as a Likely Pathogenic variant for BRCA1-related cancer predisposition based on the ACMG/AMP criteria applied as specified by the ENIGMA BRCA1/2 VCEP (PS3, PM2_Supporting, PP3).

Genetic Services Laboratory, University of Chicago
Classification: Likely pathogenic. Last evaluated: 2025-09-04. Review status: criteria provided, single submitter. Criteria: ACMG Guidelines, 2015. Collection method: clinical testing. Allele origin: germline. Not counted in ClinVar's aggregate classification.
Comment: The c.5056C>T variant: Results in an amino acid change, p.His1686Tyr. Affects a highly conserved amino acid residue located in BRCT domain of the BRCA1 protein that is known to be functional. Appears to be deleterious using several in-silico pathogenicity prediction tools. Has not been described in the literature in individuals with BRCA1-related disorders. However, different pathogenic variants affecting the same amino acid residue (p.His1686Arg and p.His1686Gln) have been described in individuals with BRCA1-related disorders (PMID: 25452441, 28993434, 32546644, 18757339, 26306726). Has shown to impact BRCA1 function in functional assays (PMID: 30209399, 31467430). Has not been described in population databases such as gnomAD v4. ClinVar contains an entry for this variant (Variation ID: 531444). Collectively, this evidence indicates that this variant is likely pathogenic.

Labcorp Genetics (formerly Invitae), Labcorp
Classification: Likely pathogenic for Hereditary breast ovarian cancer syndrome. Last evaluated: 2025-09-03. Review status: criteria provided, single submitter. Criteria: Invitae Variant Classification Sherloc (09022015). Collection method: clinical testing. Allele origin: germline. Not counted in ClinVar's aggregate classification.
Comment: This sequence change replaces histidine, which is basic and polar, with tyrosine, which is neutral and polar, at codon 1686 of the BRCA1 protein (p.His1686Tyr). This variant is not present in population databases (gnomAD no frequency). This variant has not been reported in the literature in individuals affected with BRCA1-related conditions. ClinVar contains an entry for this variant (Variation ID: 531444). Invitae Evidence Modeling incorporating data from in vitro experimental studies (PMID: 30209399) indicates that this missense variant is expected to disrupt BRCA1 function with a positive predictive value of 95%. Experimental studies have shown that this missense change affects BRCA1 function (PMID: 30209399). This variant disrupts the p.His1686 amino acid residue in BRCA1. Other variant(s) that disrupt this residue have been determined to be pathogenic (PMID: 12496477, 18757339, 23867111, 25452441, 30209399). This suggests that this residue is clinically significant, and that variants that disrupt this residue are likely to be disease-causing. In summary, the currently available evidence indicates that the variant is pathogenic, but additional data are needed to prove that conclusively. Therefore, this variant has been classified as Likely Pathogenic.

Ambry Genetics
Classification: Likely pathogenic for Hereditary cancer-predisposing syndrome. Last evaluated: 2024-10-09. Review status: criteria provided, single submitter. Criteria: Ambry Variant Classification Scheme 2023. Collection method: clinical testing. Allele origin: germline. Not counted in ClinVar's aggregate classification.
Comment: The p.H1686Y variant (also known as c.5056C>T), located in coding exon 15 of the BRCA1 gene, results from a C to T substitution at nucleotide position 5056. The histidine at codon 1686 is replaced by tyrosine, an amino acid with similar properties. One functional study found that this nucleotide substitution is non-functional in a high throughput genome editing haploid cell survival assay (Findlay GM et al. Nature, 2018 Oct;562:217-222). Another variant at the same codon, p.H1686R (c.5057A>G), was classified as deleterious based on proliferation assays and cisplatin sensitivity cDNA functional assays in mouse embryonic stem cells (Bouwman P et al. Cancer Discov. 2013 Oct;3(10):1142-55). This variant is considered to be rare based on population cohorts in the Genome Aggregation Database (gnomAD). This amino acid position is highly conserved in available vertebrate species. In addition, this alteration is predicted to be deleterious by in silico analysis. Based on the majority of available evidence to date, this variant is likely to be pathogenic.

ARUP Laboratories, Molecular Genetics and Genomics, ARUP Laboratories
Classification: Likely pathogenic. Last evaluated: 2024-07-01. Review status: criteria provided, single submitter. Criteria: ARUP Molecular Germline Variant Investigation Process 2024. Collection method: clinical testing. Allele origin: germline. Not counted in ClinVar's aggregate classification.
Comment: The BRCA1 c.5056C>T; p.His1686Tyr variant (rs1555579648), to our knowledge, is not reported in the medical literature but is reported in ClinVar (Variation ID: 531444). This variant is absent from the Genome Aggregation Database (v2.1.1), indicating it is not a common polymorphism. Computational analyses predict that this variant is deleterious (REVEL: 0.846). In vitro functional analysis in cell survival assays found this variant to be deleterious (Findlay 2018, Kweon 2020). Additionally, other variants at this codon (p.His1686Arg; p.His1686Gln) have been reported in individuals with breast and ovarian cancer (Couch 2015, Mehrgou 2018, Minucci 2015, Wen 2018). Based on available information, this variant is considered to be likely pathogenic. References: Couch FJ et al. Inherited mutations in 17 breast cancer susceptibility genes among a large triple-negative breast cancer cohort unselected for family history of breast cancer. J Clin Oncol. 2015 Feb 1;33(4):304-11. PMID: 25452441. Findlay GM et al. Accurate classification of BRCA1 variants with saturation genome editing. Nature. 2018 Oct;562(7726):217-222. PMID: 30209399. Kweon J et al. A CRISPR-based base-editing screen for the functional assessment of BRCA1 variants. Oncogene. 2020 Jan;39(1):30-35. PMID: 31467430. Mehrgou A et al. Investigating of variations in BRCA1 gene in Iranian families with breast cancer. Med J Islam Repub Iran. 2018 Sep 17;32:87. PMID: 30788324. Minucci A et al. Clinical impact on ovarian cancer patients of massive parallel sequencing for BRCA mutation detection: the experience at Gemelli hospital and a literature review. Expert Rev Mol Diagn. 2015;15(10):1383-403. PMID: 26306726. Wen WX et al. Inherited mutations in BRCA1 and BRCA2 in an unselected multiethnic cohort of Asian patients with breast cancer and healthy controls from Malaysia. J Med Genet. 2018 Feb;55(2):97-103. PMID: 28993434.